The following is an entry in ClinVar:

ClinVar aggregate classification (germline): Uncertain significance (1 of 4 stars; one submission).

Submission:

Labcorp Genetics (formerly Invitae), Labcorp
Classification: Uncertain significance. Last evaluated: 2024-10-12. Review status: criteria provided, single submitter. Criteria: Invitae Variant Classification Sherloc (09022015). Collection method: clinical testing. Allele origin: germline.
Comment: This sequence change replaces glycine, which is neutral and non-polar, with serine, which is neutral and polar, at codon 43 of the CAPN5 protein (p.Gly43Ser). This variant is present in population databases (no rsID available, gnomAD 0.0009%). This variant has not been reported in the literature in individuals affected with CAPN5-related conditions. Invitae Evidence Modeling of protein sequence and biophysical properties (such as structural, functional, and spatial information, amino acid conservation, physicochemical variation, residue mobility, and thermodynamic stability) indicates that this missense variant is not expected to disrupt CAPN5 protein function with a negative predictive value of 80%. In summary, the available evidence is currently insufficient to determine the role of this variant in disease. Therefore, it has been classified as a Variant of Uncertain Significance.

NM_004055.5(CAPN5):c.127G>A (p.Gly43Ser)

Gene: CAPN5 (calpain 5; plus strand). Cytogenetic location: 11q13.5.
Variant type: single nucleotide variant.
Coding change: c.127G>A on transcript NM_004055.5 (MANE Select); coding-DNA position 127, G replaced by A.
Protein change: p.Gly43Ser; replaces glycine 43 with serine.
Molecular consequence: missense variant. On other transcripts: non-coding transcript variant (1).
Genome position (GRCh38, 1-based): chr11:77,085,013, G>A. VCF-style: chr11-77085013-G-A. GRCh37 (hg19) VCF-style: chr11-76796059-G-A.
Other names: c.127G>A, p.Gly43Ser (NM_001425321.1, NM_001425322.1, NM_001425323.1); short protein forms G43S.
Identifiers: ClinVar variation 3618220 (VCV003618220.2).
Genomic context (GRCh38, chr11:77,085,013, plus strand): 5'-AGGAAGGTGCTCTTCGAGGACCCCCTCTTCCCCGCCACTGACGACTCACTCTACTATAAG[G>A]GCACGCCGGGGCCCGCCGTCAGGTGGAAGCGACCCAAGGTCAGTGTCTGGTCCCAGCTGG-3'
Protein context (NP_004046.2, residues 33-53): PATDDSLYYK[Gly43Ser]TPGPAVRWKR